The following is an entry in ClinVar:

NM_001395656.1(ROBO2):c.3875C>T (p.Thr1292Ile)

Gene: ROBO2 (roundabout guidance receptor 2; plus strand). Cytogenetic location: 3p12.3.
Variant type: single nucleotide variant.
Coding change: c.3875C>T on transcript NM_001395656.1 (MANE Select); coding-DNA position 3875, C replaced by T.
Protein change: p.Thr1292Ile; replaces threonine 1292 with isoleucine.
Molecular consequence: missense variant. On other transcripts: intron variant (1).
Genome position (GRCh38, 1-based): chr3:77,634,972, C>T. VCF-style: chr3-77634972-C-T. GRCh37 (hg19) VCF-style: chr3-77684123-C-T.
Other names: c.3911C>T, p.Thr1304Ile (NM_001128929.3); c.3875C>T, p.Thr1292Ile (NM_001290039.2); c.4058C>T, p.Thr1353Ile (NM_001290040.2, NM_001394212.1, NM_001395657.1); c.2084C>T, p.Thr695Ile (NM_001290065.2); c.3923C>T, p.Thr1308Ile (NM_001378190.1, NM_001378200.1, NM_001378201.1); c.4049C>T, p.Thr1350Ile (NM_001378191.1, NM_001378195.1, NM_001378196.1); c.3944C>T, p.Thr1315Ile (NM_001378192.1, NM_001378198.1, NM_001378199.1); c.3863C>T, p.Thr1288Ile (NM_001378193.1, NM_002942.5); and 6 more; short protein forms T1288I, T1289I, T1292I, T1304I, T1308I, T1311I, T1315I, T1330I.
Identifiers: ClinVar variation 4801742 (VCV004801742.1).
Genomic context (GRCh38, chr3:77,634,972, plus strand): 5'-CATTTTCTACTGACAGTAACACCAGTGCAGCCCTGAGTCAAAGTCAGAGGCCTCGGCCCA[C>T]TAAAAAACACAAGGGAGGGCGGATGGACCAACAACCAGCATTGCCTCATCGAAGGGAAGG-3'
Protein context (NP_001382585.1, residues 1282-1302): ALSQSQRPRP[Thr1292Ile]KKHKGGRMDQ

ClinVar aggregate classification (germline): Uncertain significance (1 of 4 stars; one submission).

Submission:

Labcorp Genetics (formerly Invitae), Labcorp
Classification: Uncertain significance. Last evaluated: 2025-09-11. Review status: criteria provided, single submitter. Criteria: Invitae Variant Classification Sherloc (09022015). Collection method: clinical testing. Allele origin: germline.
Comment: This sequence change replaces threonine, which is neutral and polar, with isoleucine, which is neutral and non-polar, at codon 1288 of the ROBO2 protein (p.Thr1288Ile). This variant is not present in population databases (gnomAD no frequency). This variant has not been reported in the literature in individuals affected with ROBO2-related conditions. Invitae Evidence Modeling of protein sequence and biophysical properties (such as structural, functional, and spatial information, amino acid conservation, physicochemical variation, residue mobility, and thermodynamic stability) indicates that this missense variant is not expected to disrupt ROBO2 protein function with a negative predictive value of 95%. In summary, the available evidence is currently insufficient to determine the role of this variant in disease. Therefore, it has been classified as a Variant of Uncertain Significance.